The following is an entry in ClinVar:

NM_153766.3(KCNJ1):c.505C>A (p.Arg169Ser)

Gene: KCNJ1 (potassium inwardly rectifying channel subfamily J member 1; minus strand). Cytogenetic location: 11q24.3.
Variant type: single nucleotide variant.
Coding change: c.505C>A on transcript NM_153766.3 (MANE Select); coding-DNA position 505, C replaced by A.
Protein change: p.Arg169Ser; replaces arginine 169 with serine.
Molecular consequence: missense variant.
Genome position (GRCh38, 1-based): chr11:128,839,739, G>T on the plus strand (C>A on the coding strand, the complement: KCNJ1 is on the minus strand). VCF-style: chr11-128839739-G-T. GRCh37 (hg19) VCF-style: chr11-128709634-G-T.
Other names: c.562C>A, p.Arg188Ser (NM_000220.6); c.505C>A, p.Arg169Ser (NM_153764.3, NM_153767.4); c.556C>A, p.Arg186Ser (NM_153765.3); c.562C>A (NM_000220.5); short protein forms R169S, R186S, R188S.
Identifiers: ClinVar variation 1011893 (VCV001011893.14), dbSNP rs138120505, ClinGen allele CA6357506.

ClinVar aggregate classification (germline): Conflicting classifications of pathogenicity. Review status: criteria provided, conflicting classifications (1 of 4 stars). 3 submissions from 3 submitters: Likely pathogenic (1); Uncertain significance (2). Last evaluated 2025-05-01.

Conditions:
Bartter disease type 2. Also called: HYPOKALEMIC ALKALOSIS WITH HYPERCALCIURIA 2, ANTENATAL; HYPERPROSTAGLANDIN E SYNDROME 2; Bartter syndrome, type 2, antenatal. Identifiers: Orphanet 112, Orphanet 620220, MedGen C1855849, MONDO:0009424, OMIM 241200.

gnomAD v4.1: 4 of 1,613,726 alleles (0.00025%); highest among the groups gnomAD compares: South Asian, 0.0011%; no homozygotes.

Submissions (3):

Rare Kidney Stone Consortium and the Mayo Clinic Hyperoxaluria Center, Mayo Clinic
Classification: Likely pathogenic for Bartter disease type 2. Last evaluated: 2025-05-01. Review status: criteria provided, single submitter. Criteria: ACMG Guidelines, 2015. Collection method: research. Allele origin: germline. Affected: yes.
Comment: ACMG: PM2, PM3, PP3,PP4

homozygote

Revvity Omics, Revvity
Classification: Uncertain significance for Bartter disease type 2. Last evaluated: 2023-01-23. Review status: criteria provided, single submitter. Criteria: ACMG Guidelines, 2015. Collection method: clinical testing. Allele origin: germline.

Labcorp Genetics (formerly Invitae), Labcorp
Classification: Uncertain significance. Last evaluated: 2020-01-30. Review status: criteria provided, single submitter. Criteria: Invitae Variant Classification Sherloc (09022015). Collection method: clinical testing. Allele origin: germline.
Comment: In summary, the available evidence is currently insufficient to determine the role of this variant in disease. Therefore, it has been classified as a Variant of Uncertain Significance. This sequence change replaces arginine with serine at codon 188 of the KCNJ1 protein (p.Arg188Ser). The arginine residue is highly conserved and there is a moderate physicochemical difference between arginine and serine. This variant is present in population databases (rs138120505, ExAC 0.006%). This variant has been observed in individual(s) with clinical features of Bartter syndrome (Invitae). Algorithms developed to predict the effect of missense changes on protein structure and function are either unavailable or do not agree on the potential impact of this missense change (SIFT: "Deleterious"; PolyPhen-2: "Possibly Damaging"; Align-GVGD: "Class C0").

Literature cited by the submitters: PubMed 34805638 (cited by Rare Kidney Stone Consortium and the Mayo Clinic Hyperoxaluria Center, Mayo Clinic).